The following is an entry in ClinVar:

ClinVar aggregate classification (germline): Uncertain significance. Review status: criteria provided, multiple submitters, no conflicts (2 of 4 stars). 3 submissions from 3 submitters: Uncertain significance (3). Last evaluated 2023-12-05.

Conditions:
Hereditary cancer-predisposing syndrome. Also called: Neoplastic Syndromes, Hereditary; Hereditary neoplastic syndrome; Tumor predisposition; Hereditary Cancer Syndrome. Identifiers: Orphanet 140162, MedGen C0027672, MeSH D009386, MONDO:0015356.
Ataxia-telangiectasia syndrome (AT). Also called: Ataxia telangiectasia (A-T); Cerebello-oculocutaneous telangiectasia; Immunodeficiency with ataxia telangiectasia; LOUIS-BAR SYNDROME; AT, COMPLEMENTATION GROUP C; ATAXIA-TELANGIECTASIA, FRESNO VARIANT. Identifiers: Orphanet 100, MedGen C0004135, MONDO:0008840, OMIM 208900.

Allele frequency attached by ClinVar (database versions not stated): gnomAD exomes below 0.00001.
gnomAD v4.1: 1 of 1,613,454 alleles (0.000062%); highest among the groups gnomAD compares: Non-Finnish European, 0.000085%; no homozygotes.

Submissions (3):

Color Diagnostics, LLC DBA Color Health
Classification: Uncertain significance for Hereditary cancer-predisposing syndrome. Last evaluated: 2023-12-05. Review status: criteria provided, single submitter. Criteria: ACMG Guidelines, 2015. Collection method: clinical testing. Allele origin: germline.
Comment: This missense variant replaces arginine with threonine at codon 2526 of the ATM protein. Computational prediction suggests that this variant may have deleterious impact on protein structure and function (internally defined REVEL score threshold >= 0.7, PMID: 27666373). To our knowledge, functional studies have not been reported for this variant. This variant has not been reported in individuals affected with ATM-related disorders in the literature. This variant has not been identified in the general population by the Genome Aggregation Database (gnomAD). The available evidence is insufficient to determine the role of this variant in disease conclusively. Therefore, this variant is classified as a Variant of Uncertain Significance.

Labcorp Genetics (formerly Invitae), Labcorp
Classification: Uncertain significance for Ataxia-telangiectasia syndrome. Last evaluated: 2022-10-17. Review status: criteria provided, single submitter. Criteria: Invitae Variant Classification Sherloc (09022015). Collection method: clinical testing. Allele origin: germline.
Comment: This variant is not present in population databases (gnomAD no frequency). In summary, the available evidence is currently insufficient to determine the role of this variant in disease. Therefore, it has been classified as a Variant of Uncertain Significance. Algorithms developed to predict the effect of missense changes on protein structure and function (SIFT, PolyPhen-2, Align-GVGD) all suggest that this variant is likely to be disruptive. ClinVar contains an entry for this variant (Variation ID: 231727). This variant has not been reported in the literature in individuals affected with ATM-related conditions. This sequence change replaces arginine, which is basic and polar, with threonine, which is neutral and polar, at codon 2526 of the ATM protein (p.Arg2526Thr).

Ambry Genetics
Classification: Uncertain significance for Hereditary cancer-predisposing syndrome. Last evaluated: 2020-10-13. Review status: criteria provided, single submitter. Criteria: Ambry Variant Classification Scheme 2023. Collection method: clinical testing. Allele origin: germline.
Comment: The p.R2526T variant (also known as c.7577G>C), located in coding exon 50 of the ATM gene, results from a G to C substitution at nucleotide position 7577. The arginine at codon 2526 is replaced by threonine, an amino acid with similar properties. This amino acid position is highly conserved in available vertebrate species. In addition, this alteration is predicted to be deleterious by in silico analysis. Since supporting evidence is limited at this time, the clinical significance of this alteration remains unclear.

NM_000051.4(ATM):c.7577G>C (p.Arg2526Thr)

Genes: ATM (ATM serine/threonine kinase; plus strand), C11orf65 (chromosome 11 open reading frame 65; minus strand). Cytogenetic location: 11q22.3.
Variant type: single nucleotide variant.
Coding change: c.7577G>C on transcript NM_000051.4 (MANE Select); coding-DNA position 7577, G replaced by C.
Protein change: p.Arg2526Thr; replaces arginine 2526 with threonine.
Molecular consequence: missense variant. On other transcripts: non-coding transcript variant (1), intron variant (2).
Genome position (GRCh38, 1-based): chr11:108,331,505, G>C. VCF-style: chr11-108331505-G-C. GRCh37 (hg19) VCF-style: chr11-108202232-G-C.
Other names: c.7577G>C, p.Arg2526Thr (NM_001351834.2); c.641-22434C>G (NM_001330368.2); c.*38+3715C>G (NM_001351110.2); short protein forms R2526T.
Identifiers: ClinVar variation 231727 (VCV000231727.17), dbSNP rs876659323, ClinGen allele CA10579262.